The following is an entry in ClinVar:

NM_001297.5(CNGB1):c.1122-15C>A

Gene: CNGB1 (cyclic nucleotide gated channel subunit beta 1; minus strand). Cytogenetic location: 16q21.
Variant type: single nucleotide variant.
Coding change: c.1122-15C>A on transcript NM_001297.5 (MANE Select); 15 bases into the intron before coding-DNA position 1122, C replaced by A.
Molecular consequence: intron variant.
Genome position (GRCh38, 1-based): chr16:57,940,336, G>T on the plus strand (C>A on the coding strand, the complement: CNGB1 is on the minus strand). VCF-style: chr16-57940336-G-T. GRCh37 (hg19) VCF-style: chr16-57974240-G-T.
Other names: c.1104-15C>A (NM_001286130.2).
Identifiers: ClinVar variation 4730644 (VCV004730644.1).

ClinVar aggregate classification (germline): Uncertain significance (1 of 4 stars; one submission).

gnomAD v4.1: 4 of 1,565,362 alleles (0.00026%); highest among the groups gnomAD compares: Non-Finnish European, 0.00035%; no homozygotes.

Submission:

Labcorp Genetics (formerly Invitae), Labcorp
Classification: Uncertain significance. Last evaluated: 2025-11-15. Review status: criteria provided, single submitter. Criteria: Invitae Variant Classification Sherloc (09022015). Collection method: clinical testing. Allele origin: germline.
Comment: This sequence change falls in intron 14 of the CNGB1 gene. It does not directly change the encoded amino acid sequence of the CNGB1 protein. This variant is not present in population databases (gnomAD no frequency). This variant has not been reported in the literature in individuals affected with CNGB1-related conditions. Algorithms developed to predict the effect of sequence changes on RNA splicing suggest that this variant may disrupt the consensus splice site. In summary, the available evidence is currently insufficient to determine the role of this variant in disease. Therefore, it has been classified as a Variant of Uncertain Significance.